The following is an entry in ClinVar:

ClinVar aggregate classification (germline): Uncertain significance (1 of 4 stars; one submission).

Submission:

GeneDx
Classification: Uncertain significance. Last evaluated: 2024-06-10. Review status: criteria provided, single submitter. Criteria: GeneDx Variant Classification Process June 2021. Collection method: clinical testing. Allele origin: germline. Affected: yes.
Comment: Not observed at significant frequency in large population cohorts (gnomAD); In silico analysis indicates that this missense variant does not alter protein structure/function; Has not been previously published as pathogenic or benign to our knowledge

NM_007192.4(SUPT16H):c.2713A>G (p.Ile905Val)

Gene: SUPT16H (SPT16 homolog, facilitates chromatin remodeling subunit; minus strand). Cytogenetic location: 14q11.2.
Variant type: single nucleotide variant.
Coding change: c.2713A>G on transcript NM_007192.4 (MANE Select); coding-DNA position 2713, A replaced by G.
Protein change: p.Ile905Val; replaces isoleucine 905 with valine.
Molecular consequence: missense variant.
Genome position (GRCh38, 1-based): chr14:21,354,488, T>C on the plus strand (A>G on the coding strand, the complement: SUPT16H is on the minus strand). VCF-style: chr14-21354488-T-C. GRCh37 (hg19) VCF-style: chr14-21822647-T-C.
Other names: short protein forms I905V.
Identifiers: ClinVar variation 3390844 (VCV003390844.1).